The following is an entry in ClinVar:

ClinVar aggregate classification (germline): Likely pathogenic. Review status: criteria provided, multiple submitters, no conflicts (2 of 4 stars). 2 submissions from 2 submitters: Likely pathogenic (2). Last evaluated 2024-07-08.

Conditions:
COL4A5-related disorders.

Submissions (2):

Labcorp Genetics (formerly Invitae), Labcorp
Classification: Likely pathogenic. Last evaluated: 2024-07-08. Review status: criteria provided, single submitter. Criteria: Invitae Variant Classification Sherloc (09022015). Collection method: clinical testing. Allele origin: germline.
Comment: This sequence change replaces glycine, which is neutral and non-polar, with glutamic acid, which is acidic and polar, at codon 570 of the COL4A5 protein (p.Gly570Glu). This variant is not present in population databases (gnomAD no frequency). This missense change has been observed in individual(s) with Alport syndrome (Invitae). Advanced modeling of protein sequence and biophysical properties (such as structural, functional, and spatial information, amino acid conservation, physicochemical variation, residue mobility, and thermodynamic stability) performed at Invitae indicates that this missense variant is expected to disrupt COL4A5 protein function with a positive predictive value of 95%. This variant disrupts the triple helix domain of COL4A5. Glycine residues within the Gly-Xaa-Yaa repeats of the triple helix domain are required for the structure and stability of fibrillar collagens (PMID: 7695699, 8218237, 19344236). In COL4A5, missense variants at these glycine residues are significantly enriched in individuals with disease (PMID: 23720012, 27627812) compared to the general population (ExAC). In summary, the currently available evidence indicates that the variant is pathogenic, but additional data are needed to prove that conclusively. Therefore, this variant has been classified as Likely Pathogenic.

Blueprint Genetics
Classification: Likely pathogenic for COL4A5-related disorders. Last evaluated: 2021-03-26. Review status: criteria provided, single submitter. Criteria: ACMG Guidelines, 2015. Collection method: clinical testing. Allele origin: germline. Affected: yes. Observed: 2 variant alleles.

Literature cited by the submitters: PubMed 7695699 (cited by Labcorp Genetics (formerly Invitae), Labcorp); PubMed 8218237 (cited by Labcorp Genetics (formerly Invitae), Labcorp); PubMed 19344236 (cited by Labcorp Genetics (formerly Invitae), Labcorp); PubMed 23720012 (cited by Labcorp Genetics (formerly Invitae), Labcorp); PubMed 27627812 (cited by Labcorp Genetics (formerly Invitae), Labcorp).

NM_033380.3(COL4A5):c.1709G>A (p.Gly570Glu)

Gene: COL4A5 (collagen type IV alpha 5 chain; plus strand). Cytogenetic location: Xq22.3.
Variant type: single nucleotide variant.
Coding change: c.1709G>A on transcript NM_033380.3 (MANE Select); coding-DNA position 1709, G replaced by A.
Protein change: p.Gly570Glu; replaces glycine 570 with glutamic acid.
Molecular consequence: missense variant.
Genome position (GRCh38, 1-based): chrX:108,597,498, G>A. VCF-style: chrX-108597498-G-A. GRCh37 (hg19) VCF-style: chrX-107840728-G-A.
Other names: c.1709G>A, p.Gly570Glu (NM_000495.5); short protein forms G570E.
Identifiers: ClinVar variation 3636318 (VCV003636318.3).